The following is an entry in ClinVar:

NM_001844.5(COL2A1):c.4462T>C (p.Ter1488Gln)

Gene: COL2A1 (collagen type II alpha 1 chain; minus strand). Cytogenetic location: 12q13.11.
Variant type: single nucleotide variant.
Coding change: c.4462T>C on transcript NM_001844.5 (MANE Select); coding-DNA position 4462, T replaced by C.
Protein change: p.Ter1488Gln.
Molecular consequence: stop lost.
Genome position (GRCh38, 1-based): chr12:47,973,409, A>G on the plus strand (T>C on the coding strand, the complement: COL2A1 is on the minus strand). VCF-style: chr12-47973409-A-G. GRCh37 (hg19) VCF-style: chr12-48367192-A-G.
Other names: c.4255T>C, p.Ter1419Gln (NM_033150.3).
Identifiers: ClinVar variation 1917930 (VCV001917930.5), dbSNP rs2540090981, ClinGen allele CA384533066.
Genomic context (GRCh38, chr12:47,973,409, plus strand): 5'-GAAAGTACTTGGGTCCTTTGGGTTTGCAACGGATTGTGTTGTTTCTGGGTTCAGGTTTTT[A>G]CAAGAAGCAGACCGGCCCTATGTCCACACCGAATTCCTGCTCGGGCCCTCCTATGTCCAT-3'

ClinVar aggregate classification (germline): Uncertain significance (1 of 4 stars; one submission).

Submission:

Labcorp Genetics (formerly Invitae), Labcorp
Classification: Uncertain significance. Last evaluated: 2022-08-02. Review status: criteria provided, single submitter. Criteria: Invitae Variant Classification Sherloc (09022015). Collection method: clinical testing. Allele origin: germline.
Comment: In summary, the available evidence is currently insufficient to determine the role of this variant in disease. Therefore, it has been classified as a Variant of Uncertain Significance. This protein extension has been observed in individuals with autosomal dominant spondyloepiphyseal dysplasia congenita (PMID: 32071555; Invitae). This variant is not present in population databases (gnomAD no frequency). This sequence change disrupts the translational stop signal of the COL2A1 mRNA. It is expected to extend the length of the COL2A1 protein by 34 additional amino acid residues.

Literature cited by the submitters: PubMed 32071555.